The following is an entry in ClinVar:

ClinVar aggregate classification (germline): Uncertain significance (1 of 4 stars; one submission).

Allele frequency attached by ClinVar (database versions not stated): gnomAD exomes below 0.00001; TOPMed below 0.00001; gnomAD 0.00001.
gnomAD v4.1: 9 of 1,614,024 alleles (0.00056%); highest among the groups gnomAD compares: African/African-American, 0.0053%; 1 homozygote.

Submission:

Labcorp Genetics (formerly Invitae), Labcorp
Classification: Uncertain significance. Last evaluated: 2024-10-30. Review status: criteria provided, single submitter. Criteria: Invitae Variant Classification Sherloc (09022015). Collection method: clinical testing. Allele origin: germline.
Comment: This sequence change creates a premature translational stop signal (p.Arg1499*) in the FBN3 gene. It is expected to result in an absent or disrupted protein product. However, the current clinical and genetic evidence is not sufficient to establish whether loss-of-function variants in FBN3 cause disease. This variant is present in population databases (no rsID available, gnomAD 0.01%). This variant has not been reported in the literature in individuals affected with FBN3-related conditions. ClinVar contains an entry for this variant (Variation ID: 2996194). Algorithms developed to predict the effect of sequence changes on RNA splicing suggest that this variant may disrupt the consensus splice site. In summary, the available evidence is currently insufficient to determine the role of this variant in disease. Therefore, it has been classified as a Variant of Uncertain Significance.

NM_032447.5(FBN3):c.4495C>T (p.Arg1499Ter)

Gene: FBN3 (fibrillin 3; minus strand). Cytogenetic location: 19p13.2.
Variant type: single nucleotide variant.
Coding change: c.4495C>T on transcript NM_032447.5 (MANE Select); coding-DNA position 4495, C replaced by T.
Protein change: p.Arg1499Ter; replaces arginine 1499 with a stop codon.
Molecular consequence: nonsense.
Genome position (GRCh38, 1-based): chr19:8,109,350, G>A on the plus strand (C>T on the coding strand, the complement: FBN3 is on the minus strand). VCF-style: chr19-8109350-G-A. GRCh37 (hg19) VCF-style: chr19-8174234-G-A.
Other names: c.4495C>T, p.Arg1499Ter (NM_001321431.2); short protein forms R1499*.
Identifiers: ClinVar variation 2996194 (VCV002996194.3), dbSNP rs1412322599, ClinGen allele CA403737918.
Genomic context (GRCh38, chr19:8,109,350, plus strand): 5'-AGGAAGCTCGGGTGACACCAACTCCGATCTCGGCACTGCAGGAAATGCCACTGTCCCCTC[G>A]GTCATGCGTCTCCAGGAAACAGTTCCCGGCCCGAGTGTCTGAACAGGCAGAAGGGGATGG-3'